The following is an entry in ClinVar:

NM_014319.5(LEMD3):c.2560T>C (p.Ser854Pro)

Gene: LEMD3 (LEM domain containing 3; plus strand). Cytogenetic location: 12q14.3.
Variant type: single nucleotide variant.
Coding change: c.2560T>C on transcript NM_014319.5 (MANE Select); coding-DNA position 2560, T replaced by C.
Protein change: p.Ser854Pro; replaces serine 854 with proline.
Molecular consequence: missense variant.
Genome position (GRCh38, 1-based): chr12:65,245,927, T>C. VCF-style: chr12-65245927-T-C. GRCh37 (hg19) VCF-style: chr12-65639707-T-C.
Other names: c.2557T>C, p.Ser853Pro (NM_001167614.2); short protein forms S854P, S853P.
Identifiers: ClinVar variation 4740586 (VCV004740586.1).

ClinVar aggregate classification (germline): Uncertain significance (1 of 4 stars; one submission).

Submission:

Labcorp Genetics (formerly Invitae), Labcorp
Classification: Uncertain significance. Last evaluated: 2026-01-27. Review status: criteria provided, single submitter. Criteria: Invitae Variant Classification Sherloc (09022015). Collection method: clinical testing. Allele origin: germline.
Comment: This sequence change replaces serine, which is neutral and polar, with proline, which is neutral and non-polar, at codon 854 of the LEMD3 protein (p.Ser854Pro). This variant is not present in population databases (gnomAD no frequency). This variant has not been reported in the literature in individuals affected with LEMD3-related conditions. Invitae Evidence Modeling of protein sequence and biophysical properties (such as structural, functional, and spatial information, amino acid conservation, physicochemical variation, residue mobility, and thermodynamic stability) indicates that this missense variant is expected to disrupt LEMD3 protein function with a positive predictive value of 80%. In summary, the available evidence is currently insufficient to determine the role of this variant in disease. Therefore, it has been classified as a Variant of Uncertain Significance.